The following is an entry in ClinVar:

ClinVar aggregate classification (germline): Uncertain significance (1 of 4 stars; one submission).

gnomAD v4.1: 2 of 1,550,612 alleles (0.00013%); highest among the groups gnomAD compares: Non-Finnish European, 0.000087%; no homozygotes.

Submission:

GeneDx
Classification: Uncertain significance. Last evaluated: 2026-03-19. Review status: criteria provided, single submitter. Criteria: GeneDx Variant Classification Process June 2021. Collection method: clinical testing. Allele origin: germline.
Comment: Not observed at significant frequency in large population cohorts (gnomAD); In silico analysis supports that this missense variant has a deleterious effect on protein structure/function; Has not been previously published as pathogenic or benign to our knowledge

NM_003074.4(SMARCC1):c.178G>T (p.Gly60Cys)

Gene: SMARCC1 (SWI/SNF related BAF chromatin remodeling complex subunit C1; minus strand). Cytogenetic location: 3p21.31.
Variant type: single nucleotide variant.
Coding change: c.178G>T on transcript NM_003074.4 (MANE Select); coding-DNA position 178, G replaced by T.
Protein change: p.Gly60Cys; replaces glycine 60 with cysteine.
Molecular consequence: missense variant.
Genome position (GRCh38, 1-based): chr3:47,781,620, C>A on the plus strand (G>T on the coding strand, the complement: SMARCC1 is on the minus strand). VCF-style: chr3-47781620-C-A. GRCh37 (hg19) VCF-style: chr3-47823110-C-A.
Other names: short protein forms G60C.
Identifiers: ClinVar variation 5009517 (VCV005009517.1).